The following is an entry in ClinVar:

ClinVar aggregate classification (germline): Benign/Likely benign. Review status: criteria provided, multiple submitters, no conflicts (2 of 4 stars). 9 submissions from 9 submitters: Benign (1); Likely benign (8). Last evaluated 2026-10-01.

Conditions:
RETREG1-related disorder. Also called: RETREG1-related condition.
Inborn genetic diseases. Identifiers: MedGen C0950123, MeSH D030342.
Neuropathy, hereditary sensory and autonomic, type 2B (HSAN2B). Also called: RETREG1-Related HSAN2 (HSAN2B). Identifiers: Orphanet 970, MedGen C2751092, MONDO:0013142, OMIM 613115.

Allele frequency attached by ClinVar (database versions not stated): 1000 Genomes Project 0.00160; 1000 Genomes Project 30x 0.00187; gnomAD 0.00296 and 0.00301; TOPMed 0.00309; gnomAD exomes 0.00324 and 0.00478; ESP Exome Variant Server 0.00332; ExAC 0.00335.
gnomAD v4.1: 7,416 of 1,611,312 alleles (0.46%); highest among the groups gnomAD compares: Non-Finnish European, 0.54%; 19 homozygotes.

Submissions (9):

CeGaT Center for Human Genetics Tuebingen
Classification: Likely benign. Last evaluated: 2026-10-01. Review status: criteria provided, single submitter. Criteria: CeGaT Center For Human Genetics Tuebingen Variant Classification Criteria Version 2. Collection method: clinical testing. Allele origin: germline. Affected: yes. Observed: 17 variant alleles.
Comment: RETREG1: BS2

Labcorp Genetics (formerly Invitae), Labcorp
Classification: Likely benign. Last evaluated: 2026-02-03. Review status: criteria provided, single submitter. Criteria: Invitae Variant Classification Sherloc (09022015). Collection method: clinical testing. Allele origin: germline.

ARUP Laboratories, Molecular Genetics and Genomics, ARUP Laboratories
Classification: Likely benign for Neuropathy, hereditary sensory and autonomic, type 2B. Last evaluated: 2025-07-28. Review status: criteria provided, single submitter. Criteria: ARUP Molecular Germline Variant Investigation Process 2024. Collection method: clinical testing. Allele origin: germline.

PreventionGenetics, part of Exact Sciences
Classification: Likely benign for RETREG1-related condition. Last evaluated: 2025-02-19. Review status: criteria provided, single submitter. Criteria: ACMG Guidelines, 2015. Collection method: clinical testing. Allele origin: germline.
Comment: This variant is classified as likely benign based on ACMG/AMP sequence variant interpretation guidelines (Richards et al. 2015 PMID: 25741868, with internal and published modifications).

Blueprint Genetics
Classification: Likely benign. Last evaluated: 2024-11-26. Review status: criteria provided, single submitter. Criteria: ACMG Guidelines, 2015. Collection method: clinical testing. Allele origin: germline.

Mayo Clinic Laboratories, Mayo Clinic
Classification: Benign. Last evaluated: 2023-03-03. Review status: criteria provided, single submitter. Criteria: ACMG Guidelines, 2015. Collection method: clinical testing. Allele origin: germline. Observed: 15 variant alleles.
Comment: BS1, BS2, BP4, BP5

GeneDx
Classification: Likely benign. Last evaluated: 2021-02-06. Review status: criteria provided, single submitter. Criteria: GeneDx Variant Classification Process June 2021. Collection method: clinical testing. Allele origin: germline. Affected: yes.

Ambry Genetics
Classification: Likely benign for Inborn genetic diseases. Last evaluated: 2019-09-15. Review status: criteria provided, single submitter. Criteria: Ambry Variant Classification Scheme 2023. Collection method: clinical testing. Allele origin: germline.

Illumina Laboratory Services, Illumina
Classification: Likely benign for Neuropathy, hereditary sensory and autonomic, type 2B. Last evaluated: 2018-01-13. Review status: criteria provided, single submitter. Criteria: ICSL Variant Classification Criteria 13 December 2019. Collection method: clinical testing. Allele origin: germline.
Comment: This variant was observed in the ICSL laboratory as part of a predisposition screen in an ostensibly healthy population. It had not been previously curated by ICSL or reported in the Human Gene Mutation Database (HGMD: prior to June 1st, 2018), and was therefore a candidate for classification through an automated scoring system. Utilizing variant allele frequency, disease prevalence and penetrance estimates, and inheritance mode, an automated score was calculated to assess if this variant is too frequent to cause the disease. Based on the score and internal cut-off values, a variant classified as likely benign is not then subjected to further curation. The score for this variant resulted in a classification of likely benign for this disease.

Literature cited by the submitters: PubMed 31475481 (cited by Mayo Clinic Laboratories, Mayo Clinic).

NM_001034850.3(RETREG1):c.607G>A (p.Val203Met)

Gene: RETREG1 (reticulophagy regulator 1; minus strand). Cytogenetic location: 5p15.1.
Variant type: single nucleotide variant.
Coding change: c.607G>A on transcript NM_001034850.3 (MANE Select); coding-DNA position 607, G replaced by A.
Protein change: p.Val203Met; replaces valine 203 with methionine.
Molecular consequence: missense variant.
Genome position (GRCh38, 1-based): chr5:16,481,072, C>T on the plus strand (G>A on the coding strand, the complement: RETREG1 is on the minus strand). VCF-style: chr5-16481072-C-T. GRCh37 (hg19) VCF-style: chr5-16481181-C-T.
Other names: p.Val203Met; c.184G>A, p.Val62Met (NM_019000.5); short protein forms V203M, V62M.
Identifiers: ClinVar variation 245600 (VCV000245600.68), dbSNP rs143878016, ClinGen allele CA3210392.